The following is an entry in ClinVar:

ClinVar aggregate classification (germline): Uncertain significance (1 of 4 stars; one submission).

Conditions:
Progressive microcephaly-seizures-cortical blindness-developmental delay syndrome. Also called: Seizures, cortical blindness, and microcephaly syndrome. Identifiers: Orphanet 477814, MedGen C5567650, MONDO:0014714, OMIM 616632.
Autosomal dominant nonsyndromic hearing loss 1. Also called: KONIGSMARK SYNDROME; DEAFNESS, AUTOSOMAL DOMINANT 1, WITH OR WITHOUT THROMBOCYTOPENIA. Identifiers: Orphanet 90635, MedGen C1852282, MONDO:0007424, OMIM 124900.

Allele frequency attached by ClinVar (database versions not stated): TOPMed below 0.00001.
gnomAD v4.1: 7 of 1,524,704 alleles (0.00046%); highest among the groups gnomAD compares: Non-Finnish European, 0.00062%; no homozygotes.

Submission:

Labcorp Genetics (formerly Invitae), Labcorp
Classification: Uncertain significance for Progressive microcephaly-seizures-cortical blindness-developmental delay syndrome; Autosomal dominant nonsyndromic hearing loss 1. Last evaluated: 2025-01-29. Review status: criteria provided, single submitter. Criteria: Invitae Variant Classification Sherloc (09022015). Collection method: clinical testing. Allele origin: germline.
Comment: This sequence change replaces aspartic acid, which is acidic and polar, with glutamic acid, which is acidic and polar, at codon 16 of the DIAPH1 protein (p.Asp16Glu). The frequency data for this variant in the population databases is considered unreliable, as metrics indicate poor data quality at this position in the gnomAD database. This variant has not been reported in the literature in individuals affected with DIAPH1-related conditions. ClinVar contains an entry for this variant (Variation ID: 2942561). An algorithm developed to predict the effect of missense changes on protein structure and function outputs the following: PolyPhen-2: "Not Available". The glutamic acid amino acid residue is found in multiple mammalian species, which suggests that this missense change does not adversely affect protein function. In summary, the available evidence is currently insufficient to determine the role of this variant in disease. Therefore, it has been classified as a Variant of Uncertain Significance.

NM_005219.5(DIAPH1):c.48C>G (p.Asp16Glu)

Gene: DIAPH1 (diaphanous related formin 1; minus strand). Cytogenetic location: 5q31.3.
Variant type: single nucleotide variant.
Coding change: c.48C>G on transcript NM_005219.5 (MANE Select); coding-DNA position 48, C replaced by G.
Protein change: p.Asp16Glu; replaces aspartic acid 16 with glutamic acid.
Molecular consequence: missense variant.
Genome position (GRCh38, 1-based): chr5:141,618,867, G>C on the plus strand (C>G on the coding strand, the complement: DIAPH1 is on the minus strand). VCF-style: chr5-141618867-G-C. GRCh37 (hg19) VCF-style: chr5-140998434-G-C.
Other names: c.48C>G, p.Asp16Glu (NM_001079812.3, NM_001314007.2); short protein forms D16E.
Identifiers: ClinVar variation 2942561 (VCV002942561.3), dbSNP rs993499020, ClinGen allele CA128436742.